The following is an entry in ClinVar:

ClinVar aggregate classification (germline): Pathogenic/Likely pathogenic. Review status: criteria provided, multiple submitters, no conflicts (2 of 4 stars). 2 submissions from 2 submitters: Pathogenic (1); Likely pathogenic (1). Last evaluated 2024-02-07.

Conditions:
Hepatoencephalopathy due to combined oxidative phosphorylation defect type 1. Also called: HEPATOENCEPHALOPATHY, EARLY FATAL PROGRESSIVE. Identifiers: Orphanet 137681, MedGen C1836797, MONDO:0012191, OMIM 609060.

Submissions (2):

Baylor Genetics
Classification: Likely pathogenic for Hepatoencephalopathy due to combined oxidative phosphorylation defect type 1. Last evaluated: 2024-02-07. Review status: criteria provided, single submitter. Criteria: ACMG Guidelines, 2015. Collection method: clinical testing. Allele origin: unknown.

Labcorp Genetics (formerly Invitae), Labcorp
Classification: Pathogenic. Last evaluated: 2023-05-09. Review status: criteria provided, single submitter. Criteria: Invitae Variant Classification Sherloc (09022015). Collection method: clinical testing. Allele origin: germline.
Comment: This sequence change creates a premature translational stop signal (p.Gln263*) in the GFM1 gene. It is expected to result in an absent or disrupted protein product. Loss-of-function variants in GFM1 are known to be pathogenic (PMID: 16632485, 17160893). This variant is not present in population databases (gnomAD no frequency). For these reasons, this variant has been classified as Pathogenic. This variant has not been reported in the literature in individuals affected with GFM1-related conditions.

Literature cited by the submitters: PubMed 16632485 (cited by Labcorp Genetics (formerly Invitae), Labcorp); PubMed 17160893 (cited by Labcorp Genetics (formerly Invitae), Labcorp).

NM_024996.7(GFM1):c.787C>T (p.Gln263Ter)

Gene: GFM1 (G elongation factor mitochondrial 1; plus strand). Cytogenetic location: 3q25.32.
Variant type: single nucleotide variant.
Coding change: c.787C>T on transcript NM_024996.7 (MANE Select); coding-DNA position 787, C replaced by T.
Protein change: p.Gln263Ter; replaces glutamine 263 with a stop codon.
Molecular consequence: nonsense. On other transcripts: non-coding transcript variant (4).
Genome position (GRCh38, 1-based): chr3:158,652,193, C>T. VCF-style: chr3-158652193-C-T. GRCh37 (hg19) VCF-style: chr3-158369982-C-T.
Other names: c.844C>T, p.Gln282Ter (NM_001308164.2, NM_001374355.1); c.787C>T, p.Gln263Ter (NM_001308166.2); c.670C>T, p.Gln224Ter (NM_001374356.1); c.562C>T, p.Gln188Ter (NM_001374357.1); c.328C>T, p.Gln110Ter (NM_001374358.1); c.220C>T, p.Gln74Ter (NM_001374359.1, NM_001374360.1); c.103C>T, p.Gln35Ter (NM_001374361.1); short protein forms Q110*, Q188*, Q224*, Q263*, Q282*, Q35*, Q74*.
Identifiers: ClinVar variation 2675890 (VCV002675890.5), dbSNP rs2473961042, ClinGen allele CA355176801.
Genomic context (GRCh38, chr3:158,652,193, plus strand): 5'-AGGGCGGCGGCCACTGACCACCGGCAGGAGCTAATTGAATGTGTTGCCAATTCAGATGAA[C>T]AGCTTGGTGAGATGTTTCTGGAAGAAAAAATCCCCTCGATTTCTGATTTAAAGGCAAGTG-3'